The following is an entry in ClinVar:

ClinVar aggregate classification (germline): Uncertain significance. Review status: criteria provided, multiple submitters, no conflicts (2 of 4 stars). 2 submissions from 2 submitters: Uncertain significance (2). Last evaluated 2022-07-23.

Conditions:
Joubert syndrome 17 (JBTS17). Identifiers: Orphanet 475, MedGen C3553264, MONDO:0013824, OMIM 614615.
Orofaciodigital syndrome type 6 (OFD6). Also called: Oral-facial-digital syndrome type 6; Central polydactyly cleft lip/palate or lingual lump and psychomotor retardation; Y-shaped central metacarpal and cerebellar defect; Joubert syndrome with orofacialdigital anomalies; OROFACIODIGITAL SYNDROME VI; OFDS VI. Identifiers: Orphanet 2754, MedGen C2745997, MONDO:0010176, OMIM 277170.

Allele frequency attached by ClinVar (database versions not stated): gnomAD exomes 0.00001; ExAC 0.00002.
gnomAD v4.1: 6 of 1,614,092 alleles (0.00037%); highest among the groups gnomAD compares: Non-Finnish European, 0.00042%; no homozygotes.

Submissions (2):

Labcorp Genetics (formerly Invitae), Labcorp
Classification: Uncertain significance. Last evaluated: 2022-07-23. Review status: criteria provided, single submitter. Criteria: Invitae Variant Classification Sherloc (09022015). Collection method: clinical testing. Allele origin: germline.
Comment: This sequence change replaces proline, which is neutral and non-polar, with leucine, which is neutral and non-polar, at codon 2272 of the CPLANE1 protein (p.Pro2272Leu). This variant is present in population databases (rs777757781, gnomAD 0.002%). This variant has not been reported in the literature in individuals affected with CPLANE1-related conditions. ClinVar contains an entry for this variant (Variation ID: 940125). Advanced modeling of protein sequence and biophysical properties (such as structural, functional, and spatial information, amino acid conservation, physicochemical variation, residue mobility, and thermodynamic stability) performed at Invitae indicates that this missense variant is not expected to disrupt CPLANE1 protein function. In summary, the available evidence is currently insufficient to determine the role of this variant in disease. Therefore, it has been classified as a Variant of Uncertain Significance.

Fulgent Genetics
Classification: Uncertain significance for Orofaciodigital syndrome type 6; Joubert syndrome 17. Last evaluated: 2022-03-28. Review status: criteria provided, single submitter. Criteria: ACMG Guidelines, 2015. Collection method: clinical testing. Allele origin: unknown.

NM_001384732.1(CPLANE1):c.6815C>T (p.Pro2272Leu)

Gene: CPLANE1 (ciliogenesis and planar polarity effector complex subunit 1; minus strand). Cytogenetic location: 5p13.2.
Variant type: single nucleotide variant.
Coding change: c.6815C>T on transcript NM_001384732.1 (MANE Select); coding-DNA position 6815, C replaced by T.
Protein change: p.Pro2272Leu; replaces proline 2272 with leucine.
Molecular consequence: missense variant.
Genome position (GRCh38, 1-based): chr5:37,169,209, G>A on the plus strand (C>T on the coding strand, the complement: CPLANE1 is on the minus strand). VCF-style: chr5-37169209-G-A. GRCh37 (hg19) VCF-style: chr5-37169311-G-A.
Other names: c.6815C>T, p.Pro2272Leu (NM_023073.4); short protein forms P2272L.
Identifiers: ClinVar variation 940125 (VCV000940125.7), dbSNP rs777757781, ClinGen allele CA3238182.